The following is an entry in ClinVar:

ClinVar aggregate classification (germline): Uncertain significance. Review status: criteria provided, multiple submitters, no conflicts (2 of 4 stars). 2 submissions from 2 submitters: Uncertain significance (2). Last evaluated 2021-07-15.

Conditions:
ADULT syndrome. Also called: ACRO-DERMATO-UNGUAL-LACRIMAL-TOOTH SYNDROME; Acro-Dermo-Ungual-Lacrimal-Tooth Syndrome (ADULT Syndrome); Acro-dermato-ungual-lacrimal-tooth (adult) syndrome. Identifiers: Orphanet 978, MedGen C1863204, MONDO:0007072, OMIM 103285.
Ankyloblepharon-ectodermal defects-cleft lip/palate syndrome. Also called: Hay-Wells syndrome of ectodermal dysplasia; HAY-WELLS SYNDROME; AEC SYNDROME; Ankyloblepharon-ectodermal defects, cleft lip/palate; Ankyloblepharon-Ectodermal Defects-Cleft Lip/Palate Syndrome (AEC Syndrome). Identifiers: Orphanet 1071, MedGen C0406709, MONDO:0007124, OMIM 106260.
Rapp-Hodgkin syndrome (RHS). Also called: ECTODERMAL DYSPLASIA, ANHIDROTIC, WITH CLEFT LIP/PALATE; Isolated Cleft Lip/Cleft Palate (Orofacial Cleft 8); Rapp-Hodgkin ectodermal dysplasia syndrome. Identifiers: MedGen C1785148, MONDO:0007508, OMIM 129400.
Limb-mammary syndrome (LMS). Also called: Mammary hypoplasia, ectrodactyly, and other hand/foot anomalies. Identifiers: Orphanet 69085, MedGen C1863753, MONDO:0011334, OMIM 603543.
Split hand-foot malformation 4. Also called: Split-Hand/Foot Malformation Type 4 (SHFM4 syndrome); Split-Hand/Foot Malformation Type 4 (SHFM4). Identifiers: Orphanet 2440, MedGen C1854442, MONDO:0011535, OMIM 605289.
Ectrodactyly, ectodermal dysplasia, and cleft lip-palate syndrome 3. Also called: Ectrodactyly, Ectodermal Dysplasia, Clefting Syndrome; EEC SYNDROME 3; Ectrodactyly, Ectodermal Dysplasia, Cleft Lip/Palate Syndrome 3 (EEC3); Ectrodactyly, Ectodermal Dysplasia, Clefting Syndrome Type 3 (EEC3). Identifiers: Orphanet 1896, MedGen C1858562, MONDO:0011428, OMIM 604292.
Orofacial cleft 8. Also called: Cleft lip with or without cleft palate, nonsyndromic, 8. Identifiers: MedGen C1851878, MONDO:0029145, OMIM 618149.

Allele frequency attached by ClinVar (database versions not stated): gnomAD 0.00001; gnomAD exomes below 0.00001.
gnomAD v4.1: 4 of 1,613,880 alleles (0.00025%); highest among the groups gnomAD compares: Non-Finnish European, 0.00034%; no homozygotes.

Submissions (2):

Fulgent Genetics
Classification: Uncertain significance for ADULT syndrome; Ankyloblepharon-ectodermal defects-cleft lip/palate syndrome; Rapp-Hodgkin syndrome; Limb-mammary syndrome; Ectrodactyly, ectodermal dysplasia, and cleft lip-palate syndrome 3; Split hand-foot malformation 4; Orofacial cleft 8. Last evaluated: 2021-07-15. Review status: criteria provided, single submitter. Criteria: ACMG Guidelines, 2015. Collection method: clinical testing. Allele origin: unknown.

Illumina Laboratory Services, Illumina
Classification: Uncertain significance for Split hand-foot malformation 4. Last evaluated: 2019-01-09. Review status: criteria provided, single submitter. Criteria: ICSLVariantClassificationCriteria RUGD 01 April 2020. Collection method: clinical testing. Allele origin: unknown.
Comment: The TP63 c.1825G>A (p.Glu609Lys) variant is a missense variant. A literature search was performed for the gene, cDNA change, and amino acid change. No publications were found based on this search. This variant is not found in the Genome Aggregation Database and is in a region of good sequence coverage so the variant is presumed to be rare. Based on the limited evidence, the p.Glu609Lys variant is classified as a variant of uncertain significance for split-hand/foot malformation 4.

NM_003722.5(TP63):c.1825G>A (p.Glu609Lys)

Gene: TP63 (tumor protein p63; plus strand). Cytogenetic location: 3q28.
Variant type: single nucleotide variant.
Coding change: c.1825G>A on transcript NM_003722.5 (MANE Select); coding-DNA position 1825, G replaced by A.
Protein change: p.Glu609Lys; replaces glutamic acid 609 with lysine.
Molecular consequence: missense variant. On other transcripts: 3 prime UTR variant (6).
Genome position (GRCh38, 1-based): chr3:189,894,284, G>A. VCF-style: chr3-189894284-G-A. GRCh37 (hg19) VCF-style: chr3-189612073-G-A.
Other names: c.*63G>A (NM_001114978.2, NM_001114981.2); c.1543G>A, p.Glu515Lys (NM_001114980.2); c.*53G>A (NM_001329144.2, NM_001329145.2, NM_001329149.2 and 1 more transcripts); c.1288G>A, p.Glu430Lys (NM_001329146.2); c.1813G>A, p.Glu605Lys (NM_001329148.2); c.1819G>A, p.Glu607Lys (NM_001329964.2); short protein forms E609K, E515K, E430K, E605K, E607K.
Identifiers: ClinVar variation 69817 (VCV000069817.5), dbSNP rs142762485, ClinGen allele CA89713282.
Genomic context (GRCh38, chr3:189,894,284, plus strand): 5'-ATCCCTGAGCAATTTCGACATGCGATCTGGAAGGGCATCCTGGACCACCGGCAGCTCCAC[G>A]AATTCTCCTCCCCTTCTCATCTCCTGCGGACCCCAAGCAGTGCCTCTACAGTCAGTGTGG-3'
Protein context (NP_003713.3, residues 599-619): KGILDHRQLH[Glu609Lys]FSSPSHLLRT